The following is an entry in ClinVar:

ClinVar aggregate classification (germline): Uncertain significance. Review status: criteria provided, multiple submitters, no conflicts (2 of 4 stars). 4 submissions from 4 submitters: Uncertain significance (4). Last evaluated 2023-12-21.

Conditions:
Multiple congenital exostosis (EXT). Also called: Hereditary multiple exostoses; Hereditary multiple exostosis; Hereditary multiple osteochondromas; Multiple exostoses; Multiple osteochondromas; MULTIPLE CARTILAGINOUS EXOSTOSES. Identifiers: Orphanet 321, MedGen C0015306, MONDO:0005508, HP:0002762.
Chondrosarcoma. Also called: Chondrosarcoma, somatic. Identifiers: Orphanet 55880, MedGen C0008479, MONDO:0008977, OMIM 215300, HP:0006765.

Allele frequency attached by ClinVar (database versions not stated): gnomAD exomes below 0.00001.
gnomAD v4.1: 3 of 1,614,166 alleles (0.00019%); highest among the groups gnomAD compares: Non-Finnish European, 0.00025%; no homozygotes.

Submissions (4):

Baylor Genetics
Classification: Uncertain significance for Chondrosarcoma. Last evaluated: 2023-12-21. Review status: criteria provided, single submitter. Criteria: ACMG Guidelines, 2015. Collection method: clinical testing. Allele origin: unknown.

Labcorp Genetics (formerly Invitae), Labcorp
Classification: Uncertain significance for Multiple congenital exostosis. Last evaluated: 2023-01-31. Review status: criteria provided, single submitter. Criteria: Invitae Variant Classification Sherloc (09022015). Collection method: clinical testing. Allele origin: germline.
Comment: This sequence change replaces phenylalanine, which is neutral and non-polar, with serine, which is neutral and polar, at codon 143 of the EXT1 protein (p.Phe143Ser). This variant is present in population databases (no rsID available, gnomAD 0.0009%). This variant has not been reported in the literature in individuals affected with EXT1-related conditions. ClinVar contains an entry for this variant (Variation ID: 982751). Advanced modeling of protein sequence and biophysical properties (such as structural, functional, and spatial information, amino acid conservation, physicochemical variation, residue mobility, and thermodynamic stability) performed at Invitae indicates that this missense variant is expected to disrupt EXT1 protein function. In summary, the available evidence is currently insufficient to determine the role of this variant in disease. Therefore, it has been classified as a Variant of Uncertain Significance.

Institute for Clinical Genetics, University Hospital TU Dresden, University Hospital TU Dresden
Classification: Uncertain significance. Last evaluated: 2021-11-03. Review status: criteria provided, single submitter. Criteria: ACMG Guidelines, 2015. Collection method: clinical testing. Allele origin: germline.

Institute of Human Genetics, University of Leipzig Medical Center
Classification: Uncertain significance for Exostoses, multiple, type 1. Last evaluated: 2019-01-01. Review status: criteria provided, single submitter. Criteria: ACMG Guidelines, 2015. Collection method: clinical testing. Allele origin: unknown. Affected: no.

NM_000127.3(EXT1):c.428T>C (p.Phe143Ser)

Gene: EXT1 (exostosin glycosyltransferase 1; minus strand). Cytogenetic location: 8q24.11.
Variant type: single nucleotide variant.
Coding change: c.428T>C on transcript NM_000127.3 (MANE Select); coding-DNA position 428, T replaced by C.
Protein change: p.Phe143Ser; replaces phenylalanine 143 with serine.
Molecular consequence: missense variant.
Genome position (GRCh38, 1-based): chr8:118,110,619, A>G on the plus strand (T>C on the coding strand, the complement: EXT1 is on the minus strand). VCF-style: chr8-118110619-A-G. GRCh37 (hg19) VCF-style: chr8-119122858-A-G.
Other names: short protein forms F143S.
Identifiers: ClinVar variation 982751 (VCV000982751.8), dbSNP rs1188458258, ClinGen allele CA371915873.